The following is an entry in ClinVar:

NM_021224.6(ZNF462):c.84G>A (p.Thr28=)

Gene: ZNF462 (zinc finger protein 462; plus strand). Cytogenetic location: 9q31.2.
Variant type: single nucleotide variant.
Coding change: c.84G>A on transcript NM_021224.6 (MANE Select); coding-DNA position 84, G replaced by A.
Protein change: p.Thr28=; no amino-acid change (threonine 28 retained).
Molecular consequence: synonymous variant.
Genome position (GRCh38, 1-based): chr9:106,923,467, G>A. VCF-style: chr9-106923467-G-A. GRCh37 (hg19) VCF-style: chr9-109685748-G-A.
Other names: c.84G>A, p.Thr28= (NM_001347997.2).
Identifiers: ClinVar variation 3050921 (VCV003050921.2), dbSNP rs750966412, ClinGen allele CA5171076.

ClinVar aggregate classification (germline): Likely benign (0 of 4 stars; one submission).

Conditions:
ZNF462-related disorder. Also called: ZNF462-related condition; ZNF462 related disease.

gnomAD v4.1: 81 of 1,614,064 alleles (0.005%); highest among the groups gnomAD compares: African/African-American, 0.097%; no homozygotes.

Submission:

PreventionGenetics, part of Exact Sciences
Classification: Likely benign for ZNF462-related condition. Last evaluated: 2022-07-20. Review status: no assertion criteria provided. Collection method: clinical testing. Allele origin: germline.
Comment: This variant is classified as likely benign based on ACMG/AMP sequence variant interpretation guidelines (Richards et al. 2015 PMID: 25741868, with internal and published modifications).